The following is an entry in ClinVar:

ClinVar aggregate classification (germline): Pathogenic. Review status: criteria provided, multiple submitters, no conflicts (2 of 4 stars). 2 submissions from 2 submitters: Pathogenic (2). Last evaluated 2024-12-11.

Conditions:
Hereditary cancer-predisposing syndrome. Also called: Hereditary neoplastic syndrome; Tumor predisposition; Hereditary Cancer Syndrome; Neoplastic Syndromes, Hereditary. Identifiers: Orphanet 140162, MedGen C0027672, MeSH D009386, MONDO:0015356.

Submissions (2):

Ambry Genetics
Classification: Pathogenic for Hereditary cancer-predisposing syndrome. Last evaluated: 2024-12-11. Review status: criteria provided, single submitter. Criteria: Ambry Variant Classification Scheme 2023. Collection method: clinical testing. Allele origin: germline.
Comment: The p.G276D pathogenic mutation (also known as c.827G>A), located in coding exon 6 of the FH gene, results from a G to A substitution at nucleotide position 827. The glycine at codon 276 is replaced by aspartic acid, an amino acid with similar properties. This variant was reported in individual(s) with features consistent with hereditary leiomyomatosis and renal cell cancer (HLRCC) (Ambry internal data). Based on internal structural analysis, this variant is anticipated to result in a significant decrease in structural stability (Ambry internal data; Ajalla Aleixo MA et al. FEBS J. 2019 05;286(10):1925-1940). This variant is considered to be rare based on population cohorts in the Genome Aggregation Database (gnomAD). This amino acid position is highly conserved in available vertebrate species. In addition, this alteration is predicted to be deleterious by in silico analysis. Based on the supporting evidence, this variant is interpreted as a disease-causing mutation.

Labcorp Genetics (formerly Invitae), Labcorp
Classification: Pathogenic. Last evaluated: 2022-06-13. Review status: criteria provided, single submitter. Criteria: Invitae Variant Classification Sherloc (09022015). Collection method: clinical testing. Allele origin: germline.
Comment: For these reasons, this variant has been classified as Pathogenic. Advanced modeling of protein sequence and biophysical properties (such as structural, functional, and spatial information, amino acid conservation, physicochemical variation, residue mobility, and thermodynamic stability) performed at Invitae indicates that this missense variant is expected to disrupt FH protein function. ClinVar contains an entry for this variant (Variation ID: 1067347). This missense change has been observed in individual(s) with clinical features of hereditary leiomyomatosis and renal cell cancer (Invitae; external communication). It has also been observed to segregate with disease in related individuals. This variant is not present in population databases (gnomAD no frequency). This sequence change replaces glycine, which is neutral and non-polar, with aspartic acid, which is acidic and polar, at codon 276 of the FH protein (p.Gly276Asp).

Literature cited by the submitters: PubMed 30761759 (cited by Ambry Genetics).

NM_000143.4(FH):c.827G>A (p.Gly276Asp)

Gene: FH (fumarate hydratase; minus strand). Cytogenetic location: 1q43.
Variant type: single nucleotide variant.
Coding change: c.827G>A on transcript NM_000143.4 (MANE Select); coding-DNA position 827, G replaced by A.
Protein change: p.Gly276Asp; replaces glycine 276 with aspartic acid.
Molecular consequence: missense variant.
Genome position (GRCh38, 1-based): chr1:241,506,080, C>T on the plus strand (G>A on the coding strand, the complement: FH is on the minus strand). VCF-style: chr1-241506080-C-T. GRCh37 (hg19) VCF-style: chr1-241669380-C-T.
Other names: short protein forms G276D.
Identifiers: ClinVar variation 1067347 (VCV001067347.12), dbSNP rs2147917609, ClinGen allele CA345438943.
Genomic context (GRCh38, chr1:241,506,080, plus strand): 5'-TTTGCAGCAACCTTTTCTGCAAAGCCAATTCTAGTATTTAAACCTGTACCAACAGCAGTG[C>T]CTCCAGCTGCGAGCTCATAGATTCTTGGCATGGCAGCTTTTATTCTTGTCATTGCATATT-3'
Protein context (NP_000134.2, residues 266-286): MPRIYELAAG[Gly276Asp]TAVGTGLNTR